The following is an entry in ClinVar:

NM_018117.12(WDR11):c.471T>C (p.Tyr157=)

Gene: WDR11 (WD repeat domain 11; plus strand). Cytogenetic location: 10q26.12.
Variant type: single nucleotide variant.
Coding change: c.471T>C on transcript NM_018117.12 (MANE Select); coding-DNA position 471, T replaced by C.
Protein change: p.Tyr157=; no amino-acid change (tyrosine 157 retained).
Molecular consequence: synonymous variant.
Genome position (GRCh38, 1-based): chr10:120,860,227, T>C. VCF-style: chr10-120860227-T-C. GRCh37 (hg19) VCF-style: chr10-122619739-T-C.
Identifiers: ClinVar variation 700847 (VCV000700847.34), dbSNP rs148704547, ClinGen allele CA5719450.

ClinVar aggregate classification (germline): Likely benign. Review status: criteria provided, multiple submitters, no conflicts (2 of 4 stars). 3 submissions from 3 submitters: Likely benign (3). Last evaluated 2025-10-19.

Allele frequency attached by ClinVar (database versions not stated): ESP Exome Variant Server 0.00023; gnomAD 0.00029; ExAC 0.00030; gnomAD exomes 0.00031 and 0.00044; TOPMed 0.00040; 1000 Genomes Project 0.00080; 1000 Genomes Project 30x 0.00094.
gnomAD v4.1: 680 of 1,614,220 alleles (0.042%); highest among the groups gnomAD compares: Non-Finnish European, 0.051%; no homozygotes.

Submissions (3):

Labcorp Genetics (formerly Invitae), Labcorp
Classification: Likely benign. Last evaluated: 2025-10-19. Review status: criteria provided, single submitter. Criteria: Invitae Variant Classification Sherloc (09022015). Collection method: clinical testing. Allele origin: germline.

CeGaT Center for Human Genetics Tuebingen
Classification: Likely benign. Last evaluated: 2025-08-01. Review status: criteria provided, single submitter. Criteria: CeGaT Center For Human Genetics Tuebingen Variant Classification Criteria Version 2. Collection method: clinical testing. Allele origin: germline. Affected: yes. Observed: 2 variant alleles.
Comment: WDR11: BP4, BP7

Blueprint Genetics
Classification: Likely benign. Last evaluated: 2024-10-18. Review status: criteria provided, single submitter. Criteria: ACMG Guidelines, 2015. Collection method: clinical testing. Allele origin: germline.